The following is an entry in ClinVar:

NM_004456.5(EZH2):c.2218_2220dup (p.Lys740dup)

Gene: EZH2 (enhancer of zeste 2 polycomb repressive complex 2 subunit; minus strand). Cytogenetic location: 7q36.1.
Variant type: Duplication.
Coding change: c.2218_2220dup on transcript NM_004456.5 (MANE Select); coding-DNA positions 2218 to 2220, 3 bases duplicated (AAG; older notation c.2218_2220dupAAG).
Protein change: p.Lys740dup; duplicates lysine 740.
Molecular consequence: inframe insertion.
Genome position (GRCh38, 1-based): chr7:148,807,682-148,807,684, CTT duplicated on the plus strand (AAG on the coding strand, the reverse complement: EZH2 is on the minus strand); duplicating any 3 consecutive bases within chr7:148,807,682-148,807,685 gives the same sequence; the c. name uses the placement nearest the transcript's 3' end. VCF-style (leftmost placement, unchanged base first): chr7-148807681-A-ACTT. GRCh37 (hg19) VCF-style: chr7-148504773-A-ACTT.
Other names: c.2203_2205dup, p.Lys735dup (NM_001203247.2); c.2176_2178dup, p.Lys726dup (NM_001203248.2); c.2050_2052dup, p.Lys684dup (NM_001203249.2); c.2086_2088dup, p.Lys696dup (NM_152998.3); c.2218_2220dupAAG (NM_004456.4).
Identifiers: ClinVar variation 577229 (VCV000577229.2), dbSNP rs1563181659, ClinGen allele CA891843193.
Genomic context (GRCh38, chr7:148,807,681, plus strand): 5'-AGGAGGGGGGAGGAGGTAGCAGATGTCAAGGGATTTCCATTTCTCTTTCGATGCCGACAT[A>ACTT]CTTCAGGGCATCAGCCTGGCTGTATCTGAAACAACAGGAAGGAGATGTCCGCTGGATGGC-3'

ClinVar aggregate classification (germline): Likely pathogenic (1 of 4 stars; one submission).

Conditions:
Weaver syndrome (WVS). Also called: Weaver Smith syndrome; Overgrowth syndrome with accelerated skeletal maturation, unusual facies, and camptodactyly. Identifiers: Orphanet 3447, MedGen C0265210, MONDO:0010193, OMIM 277590.

Submission:

Labcorp Genetics (formerly Invitae), Labcorp
Classification: Likely pathogenic for Weaver syndrome. Last evaluated: 2018-08-09. Review status: criteria provided, single submitter. Criteria: Invitae Variant Classification Sherloc (09022015). Collection method: clinical testing. Allele origin: germline.
Comment: This variant, c.2218_2220dupAAG, results in the insertion of 1 amino acid(s) to the EZH2 protein (p.Lys740dup), but otherwise preserves the integrity of the reading frame. This variant is not present in population databases (ExAC no frequency). Experimental studies and prediction algorithms are not available for this variant, and the functional significance of the duplicated amino acid is currently unknown. Algorithms developed to predict the effect of sequence changes on RNA splicing suggest that this variant may create or strengthen a splice site, but this prediction has not been confirmed by published transcriptional studies. In summary, the currently available evidence indicates that the variant is pathogenic, but additional data are needed to prove that conclusively. Therefore, this variant has been classified as Likely Pathogenic.